The following is an entry in ClinVar:

ClinVar aggregate classification (germline): Uncertain significance. Review status: criteria provided, multiple submitters, no conflicts (2 of 4 stars). 3 submissions from 3 submitters: Uncertain significance (3). Last evaluated 2025-02-23.

Conditions:
Peroxisome biogenesis disorder. Identifiers: Orphanet 79189, MedGen C1832200, MONDO:0019234. Disease mechanism: loss of function.
PEX16-related disorder. Also called: PEX16-related condition.
Inborn genetic diseases. Identifiers: MedGen C0950123, MeSH D030342.

gnomAD v4.1: 23 of 1,613,996 alleles (0.0014%); highest among the groups gnomAD compares: Non-Finnish European, 0.0018%; no homozygotes.

Submissions (3):

Ambry Genetics
Classification: Uncertain significance for Inborn genetic diseases. Last evaluated: 2025-02-23. Review status: criteria provided, single submitter. Criteria: Ambry Variant Classification Scheme 2023. Collection method: clinical testing. Allele origin: germline.

PreventionGenetics, part of Exact Sciences
Classification: Uncertain significance for PEX16-related condition. Last evaluated: 2023-08-22. Review status: criteria provided, single submitter. Criteria: ACMG Guidelines, 2015. Collection method: clinical testing. Allele origin: germline.
Comment: The PEX16 c.877C>A variant is predicted to result in the amino acid substitution p.Arg293Ser. To our knowledge, this variant has not been reported in the literature. This variant is reported in 0.0018% of alleles in individuals of European (Non-Finnish) descent in gnomAD. At this time, the clinical significance of this variant is uncertain due to the absence of conclusive functional and genetic evidence.

Labcorp Genetics (formerly Invitae), Labcorp
Classification: Uncertain significance for Peroxisome biogenesis disorder. Last evaluated: 2022-10-25. Review status: criteria provided, single submitter. Criteria: Invitae Variant Classification Sherloc (09022015). Collection method: clinical testing. Allele origin: germline.
Comment: This sequence change replaces arginine, which is basic and polar, with serine, which is neutral and polar, at codon 293 of the PEX16 protein (p.Arg293Ser). This variant is present in population databases (rs544053792, gnomAD 0.003%). This variant has not been reported in the literature in individuals affected with PEX16-related conditions. ClinVar contains an entry for this variant (Variation ID: 855996). Advanced modeling of protein sequence and biophysical properties (such as structural, functional, and spatial information, amino acid conservation, physicochemical variation, residue mobility, and thermodynamic stability) performed at Invitae indicates that this missense variant is not expected to disrupt PEX16 protein function. In summary, the available evidence is currently insufficient to determine the role of this variant in disease. Therefore, it has been classified as a Variant of Uncertain Significance.

NM_004813.4(PEX16):c.877C>A (p.Arg293Ser)

Gene: PEX16 (peroxisomal biogenesis factor 16; minus strand). Cytogenetic location: 11p11.2.
Variant type: single nucleotide variant.
Coding change: c.877C>A on transcript NM_004813.4 (MANE Select); coding-DNA position 877, C replaced by A.
Protein change: p.Arg293Ser; replaces arginine 293 with serine.
Molecular consequence: missense variant.
Genome position (GRCh38, 1-based): chr11:45,913,829, G>T on the plus strand (C>A on the coding strand, the complement: PEX16 is on the minus strand). VCF-style: chr11-45913829-G-T. GRCh37 (hg19) VCF-style: chr11-45935380-G-T.
Other names: c.877C>A, p.Arg293Ser (NM_057174.3); short protein forms R293S.
Identifiers: ClinVar variation 855996 (VCV000855996.9), dbSNP rs544053792, ClinGen allele CA5959790.